The following is an entry in ClinVar:

ClinVar aggregate classification (germline): Pathogenic (1 of 4 stars; one submission).

Submission:

Clinical Genomics Laboratory, Laboratory for Precision Diagnostics, University of Washington
Classification: Pathogenic. Last evaluated: 2023-04-04. Review status: criteria provided, single submitter. Criteria: ACMG/ClinGen CNV Guidelines, 2019. Collection method: clinical testing. Allele origin: unknown. Affected: yes. Observed: 1 variant allele.
Comment: A pathogenic 2-copy loss of chromosome 15q15.3 encompassing at least exons 19-26 of STRC was detected by chromosomal SNP microarray analysis of peripheral blood. Biallelic loss of function variants in STRC have been found in people with sensorineural hearing loss.

Literature cited by the submitters: PubMed 35022556.

GRCh38/hg38 15q15.3(chr15:43600609-43605399)x0

Gene: STRC (stereocilin; minus strand). Cytogenetic location: 15q15.3.
Variant type: copy number loss.
Change: copy number 0 (both copies lost) of chr15:43,600,609-43,605,399 (4.8 kb, GRCh38 coordinates, 1-based), cytogenetic band 15q15.3.
Identifiers: ClinVar variation 4890974 (VCV004890974.1).